The following is an entry in ClinVar:

ClinVar aggregate classification (germline): Uncertain significance (1 of 4 stars; one submission).

Conditions:
RASopathy. Also called: Noonan spectrum disorder; rasopathies. Identifiers: Orphanet 536391, MedGen C5555857, MONDO:0021060.

Allele frequency attached by ClinVar (database versions not stated): gnomAD 0.00001.
gnomAD v4.1: 1 of 1,613,790 alleles (0.000062%); highest among the groups gnomAD compares: Admixed American, 0.0017%; no homozygotes.

Submission:

Labcorp Genetics (formerly Invitae), Labcorp
Classification: Uncertain significance for RASopathy. Last evaluated: 2024-03-14. Review status: criteria provided, single submitter. Criteria: Invitae Variant Classification Sherloc (09022015). Collection method: clinical testing. Allele origin: germline.
Comment: This sequence change replaces proline, which is neutral and non-polar, with threonine, which is neutral and polar, at codon 290 of the MAP2K1 protein (p.Pro290Thr). This variant is not present in population databases (gnomAD no frequency). This variant has not been reported in the literature in individuals affected with MAP2K1-related conditions. ClinVar contains an entry for this variant (Variation ID: 2084673). Advanced modeling of protein sequence and biophysical properties (such as structural, functional, and spatial information, amino acid conservation, physicochemical variation, residue mobility, and thermodynamic stability) performed at Invitae indicates that this missense variant is not expected to disrupt MAP2K1 protein function with a negative predictive value of 95%. In summary, the available evidence is currently insufficient to determine the role of this variant in disease. Therefore, it has been classified as a Variant of Uncertain Significance.

NM_002755.4(MAP2K1):c.868C>A (p.Pro290Thr)

Gene: MAP2K1 (mitogen-activated protein kinase kinase 1; plus strand). Cytogenetic location: 15q22.31.
Variant type: single nucleotide variant.
Coding change: c.868C>A on transcript NM_002755.4 (MANE Select); coding-DNA position 868, C replaced by A.
Protein change: p.Pro290Thr; replaces proline 290 with threonine.
Molecular consequence: missense variant.
Genome position (GRCh38, 1-based): chr15:66,485,164, C>A. VCF-style: chr15-66485164-C-A. GRCh37 (hg19) VCF-style: chr15-66777502-C-A.
Other names: c.724C>A, p.Pro242Thr (NM_001411065.1); short protein forms P242T, P290T.
Identifiers: ClinVar variation 2084673 (VCV002084673.4), dbSNP rs1893008091, ClinGen allele CA392937391.